The following is an entry in ClinVar:

ClinVar aggregate classification (germline): Uncertain significance (1 of 4 stars; one submission).

gnomAD v4.1: 2 of 1,324,168 alleles (0.00015%); highest among the groups gnomAD compares: South Asian, 0.0025%; no homozygotes.

Submission:

GeneDx
Classification: Uncertain significance. Last evaluated: 2024-08-08. Review status: criteria provided, single submitter. Criteria: GeneDx Variant Classification Process June 2021. Collection method: clinical testing. Allele origin: germline. Affected: yes.
Comment: Not observed at significant frequency in large population cohorts (gnomAD); In silico analysis supports that this missense variant has a deleterious effect on protein structure/function; Has not been previously published as pathogenic or benign to our knowledge

NM_015570.4(AUTS2):c.73C>T (p.Arg25Cys)

Genes: AUTS2 (activator of transcription and developmental regulator AUTS2; plus strand), LOC129998550 (ATAC-STARR-seq lymphoblastoid silent region 18224; plus strand). Cytogenetic location: 7q11.22.
Variant type: single nucleotide variant.
Coding change: c.73C>T on transcript NM_015570.4 (MANE Select); coding-DNA position 73, C replaced by T.
Protein change: p.Arg25Cys; replaces arginine 25 with cysteine.
Molecular consequence: missense variant.
Genome position (GRCh38, 1-based): chr7:69,599,726, C>T. VCF-style: chr7-69599726-C-T. GRCh37 (hg19) VCF-style: chr7-69064712-C-T.
Other names: c.73C>T, p.Arg25Cys (NM_001127231.3, NM_001127232.3); short protein forms R25C.
Identifiers: ClinVar variation 3602841 (VCV003602841.1).
Genomic context (GRCh38, chr7:69,599,726, plus strand): 5'-ACGCGGGGCCATGGACTCCGCAAAAAGCGGCGGTCGCGGTCGCAGCGAGACCGGGAGAGG[C>T]GCTCCCGGGGCGGGCTGGGGGCCGGCGCGGCCGGCGGCGGCGGGGCTGGCCGGACCCGGG-3'
Protein context (NP_056385.1, residues 15-35): RSRSQRDRER[Arg25Cys]SRGGLGAGAA